The following is an entry in ClinVar:

NM_004304.5(ALK):c.3401A>T (p.Gln1134Leu)

Gene: ALK (ALK receptor tyrosine kinase; minus strand). Cytogenetic location: 2p23.2.
Variant type: single nucleotide variant.
Coding change: c.3401A>T on transcript NM_004304.5 (MANE Select); coding-DNA position 3401, A replaced by T.
Protein change: p.Gln1134Leu; replaces glutamine 1134 with leucine.
Molecular consequence: missense variant.
Genome position (GRCh38, 1-based): chr2:29,222,566, T>A on the plus strand (A>T on the coding strand, the complement: ALK is on the minus strand). VCF-style: chr2-29222566-T-A. GRCh37 (hg19) VCF-style: chr2-29445432-T-A.
Other names: c.197A>T, p.Gln66Leu (NM_001353765.2); short protein forms Q1134L, Q66L.
Identifiers: ClinVar variation 470826 (VCV000470826.18), dbSNP rs1172239019, ClinGen allele CA346463956.

ClinVar aggregate classification (germline): Uncertain significance. Review status: criteria provided, multiple submitters, no conflicts (2 of 4 stars). 3 submissions from 3 submitters: Uncertain significance (3). Last evaluated 2026-01-31.

Conditions:
Neuroblastoma, susceptibility to, 3. Also called: ALK-Related Neuroblastic Tumor Susceptibility. Identifiers: Orphanet 635, MedGen C2751681, MONDO:0013083, OMIM 613014.
Hereditary cancer-predisposing syndrome. Also called: Hereditary neoplastic syndrome; Neoplastic Syndromes, Hereditary; Tumor predisposition; Hereditary Cancer Syndrome. Identifiers: Orphanet 140162, MedGen C0027672, MeSH D009386, MONDO:0015356.

Allele frequency attached by ClinVar (database versions not stated): gnomAD 0.00001.
gnomAD v4.1: 6 of 1,613,988 alleles (0.00037%); highest among the groups gnomAD compares: Non-Finnish European, 0.00051%; no homozygotes.

Submissions (3):

Labcorp Genetics (formerly Invitae), Labcorp
Classification: Uncertain significance for Neuroblastoma, susceptibility to, 3. Last evaluated: 2026-01-31. Review status: criteria provided, single submitter. Criteria: Invitae Variant Classification Sherloc (09022015). Collection method: clinical testing. Allele origin: germline.
Comment: This sequence change replaces glutamine, which is neutral and polar, with leucine, which is neutral and non-polar, at codon 1134 of the ALK protein (p.Gln1134Leu). The frequency data for this variant in the population databases is considered unreliable, as metrics indicate poor data quality at this position in the gnomAD database. This variant has not been reported in the literature in individuals affected with ALK-related conditions. ClinVar contains an entry for this variant (Variation ID: 470826). An algorithm developed to predict the effect of missense changes on protein structure and function (PolyPhen-2) suggests that this variant is likely to be disruptive. In summary, the available evidence is currently insufficient to determine the role of this variant in disease. Therefore, it has been classified as a Variant of Uncertain Significance.

Ambry Genetics
Classification: Uncertain significance for Hereditary cancer-predisposing syndrome. Last evaluated: 2024-07-23. Review status: criteria provided, single submitter. Criteria: Ambry Variant Classification Scheme 2023. Collection method: clinical testing. Allele origin: germline.
Comment: The p.Q1134L variant (also known as c.3401A>T), located in coding exon 21 of the ALK gene, results from an A to T substitution at nucleotide position 3401. The glutamine at codon 1134 is replaced by leucine, an amino acid with dissimilar properties. This amino acid position is not well conserved in available vertebrate species. In addition, the in silico prediction for this alteration is inconclusive. Based on the available evidence, the clinical significance of this variant remains unclear.

Baylor Genetics
Classification: Uncertain significance for Neuroblastoma, susceptibility to, 3. Last evaluated: 2024-02-28. Review status: criteria provided, single submitter. Criteria: ACMG Guidelines, 2015. Collection method: clinical testing. Allele origin: unknown.